The following is an entry in ClinVar:

ClinVar aggregate classification (germline): Uncertain significance (1 of 4 stars; one submission).

Conditions:
Jeune thoracic dystrophy. Also called: Short-rib thoracic dysplasia; Jeune syndrome; Infantile thoracic dystrophy; Thoracic pelvic phalangeal dystrophy; Jeune's syndrome; Chondroectodermal dysplasia-like syndrome. Identifiers: Orphanet 474, MedGen C0265275, MONDO:0018770.
Nephronophthisis. Also called: Juvenile Nephronophthisis. Identifiers: Orphanet 655, MedGen C0687120, MONDO:0019005, HP:0000090.

Allele frequency attached by ClinVar (database versions not stated): gnomAD exomes 0.00001; TOPMed 0.00001; ExAC 0.00002; ESP Exome Variant Server 0.00015.
gnomAD v4.1: 6 of 1,613,576 alleles (0.00037%); highest among the groups gnomAD compares: Non-Finnish European, 0.00051%; no homozygotes.

Submission:

Labcorp Genetics (formerly Invitae), Labcorp
Classification: Uncertain significance for Jeune thoracic dystrophy; Nephronophthisis. Last evaluated: 2023-08-10. Review status: criteria provided, single submitter. Criteria: Invitae Variant Classification Sherloc (09022015). Collection method: clinical testing. Allele origin: germline.
Comment: Advanced modeling of protein sequence and biophysical properties (such as structural, functional, and spatial information, amino acid conservation, physicochemical variation, residue mobility, and thermodynamic stability) performed at Invitae indicates that this missense variant is not expected to disrupt TTC21B protein function. In summary, the available evidence is currently insufficient to determine the role of this variant in disease. Therefore, it has been classified as a Variant of Uncertain Significance. ClinVar contains an entry for this variant (Variation ID: 1472882). This variant has not been reported in the literature in individuals affected with TTC21B-related conditions. This variant is present in population databases (rs370444625, gnomAD 0.003%). This sequence change replaces proline, which is neutral and non-polar, with arginine, which is basic and polar, at codon 469 of the TTC21B protein (p.Pro469Arg).

NM_024753.5(TTC21B):c.1406C>G (p.Pro469Arg)

Gene: TTC21B (tetratricopeptide repeat domain 21B; minus strand). Cytogenetic location: 2q24.3.
Variant type: single nucleotide variant.
Coding change: c.1406C>G on transcript NM_024753.5 (MANE Select); coding-DNA position 1406, C replaced by G.
Protein change: p.Pro469Arg; replaces proline 469 with arginine.
Molecular consequence: missense variant.
Genome position (GRCh38, 1-based): chr2:165,924,659, G>C on the plus strand (C>G on the coding strand, the complement: TTC21B is on the minus strand). VCF-style: chr2-165924659-G-C. GRCh37 (hg19) VCF-style: chr2-166781169-G-C.
Other names: short protein forms P469R.
Identifiers: ClinVar variation 1472882 (VCV001472882.8), dbSNP rs370444625, ClinGen allele CA1942133.
Genomic context (GRCh38, chr2:165,924,659, plus strand): 5'-GGAACAGTTCTTACTACAGTCTCCAGGACTGAGATGCAACGCCTGAGAAGTGGACAAAGA[G>C]GTTGCCCAGGACTTGCAGGCTAAACAAAACAAATCAGCAGATCATTTTATAAGTGTAAAA-3'
Protein context (NP_079029.3, residues 459-479): CPMQPASPGQ[Pro469Arg]LCPLLRRCIS